The following is an entry in ClinVar:

ClinVar aggregate classification (germline): Conflicting classifications of pathogenicity. Review status: criteria provided, conflicting classifications (1 of 4 stars). 4 submissions from 4 submitters: Uncertain significance (3); Benign (1). Last evaluated 2025-04-02.

Conditions:
Hereditary cancer-predisposing syndrome. Also called: Hereditary Cancer Syndrome; Neoplastic Syndromes, Hereditary; Tumor predisposition; Hereditary neoplastic syndrome. Identifiers: Orphanet 140162, MedGen C0027672, MeSH D009386, MONDO:0015356.
Lynch syndrome. Identifiers: Orphanet 144, MedGen C4552100, MONDO:0005835. Disease mechanism: loss of function.
Hereditary nonpolyposis colorectal neoplasms. Identifiers: MedGen C0009405, MeSH D003123.

Allele frequency attached by ClinVar (database versions not stated): gnomAD exomes 0.00001; ExAC 0.00002; gnomAD 0.00002; 1000 Genomes Project 30x 0.00062; 1000 Genomes Project 0.00080.
gnomAD v4.1: 4 of 1,614,168 alleles (0.00025%); highest among the groups gnomAD compares: African/African-American, 0.0053%; no homozygotes.

Submissions (4):

Labcorp Genetics (formerly Invitae), Labcorp
Classification: Benign for Hereditary nonpolyposis colorectal neoplasms. Last evaluated: 2025-04-02. Review status: criteria provided, single submitter. Criteria: Invitae Variant Classification Sherloc (09022015). Collection method: clinical testing. Allele origin: germline.

All of Us Research Program, National Institutes of Health
Classification: Uncertain significance for Lynch syndrome. Last evaluated: 2024-09-26. Review status: criteria provided, single submitter. Criteria: ACMG Guidelines, 2015. Collection method: clinical testing. Allele origin: germline. Inheritance: Autosomal dominant inheritance. Observed: 1 variant allele, 1 heterozygote.
Comment: This missense variant replaces threonine with isoleucine at codon 720 of the MSH6 protein. Computational prediction suggests that this variant may not impact protein structure and function (internally defined REVEL score threshold <= 0.5, PMID: 27666373). To our knowledge, functional studies have not been reported for this variant. This variant has not been reported in individuals affected with MSH6-related disorders in the literature. This variant has been identified in 3/250934 chromosomes in the general population by the Genome Aggregation Database (gnomAD). The available evidence is insufficient to determine the role of this variant in disease conclusively. Therefore, this variant is classified as a Variant of Uncertain Significance.

This study involves interpretation of variants in research participants for the purpose of population health screening. Participant phenotype was not available at the time of variant classification. Additional details can be found in publication PMID: 35346344, PMCID: PMC8962531

Color Diagnostics, LLC DBA Color Health
Classification: Uncertain significance for Hereditary cancer-predisposing syndrome. Last evaluated: 2024-08-21. Review status: criteria provided, single submitter. Criteria: ACMG Guidelines, 2015. Collection method: clinical testing. Allele origin: germline.
Comment: This missense variant replaces threonine with isoleucine at codon 720 of the MSH6 protein. Computational prediction suggests that this variant may not impact protein structure and function. To our knowledge, functional studies have not been reported for this variant. This variant has not been reported in individuals affected with MSH6-related disorders in the literature. This variant has been identified in 3/250934 chromosomes in the general population by the Genome Aggregation Database (gnomAD). The available evidence is insufficient to determine the role of this variant in disease conclusively. Therefore, this variant is classified as a Variant of Uncertain Significance.

Ambry Genetics
Classification: Uncertain significance for Hereditary cancer-predisposing syndrome. Last evaluated: 2022-01-12. Review status: criteria provided, single submitter. Criteria: Ambry Variant Classification Scheme 2023. Collection method: clinical testing. Allele origin: germline.
Comment: The p.T720I variant (also known as c.2159C>T), located in coding exon 4 of the MSH6 gene, results from a C to T substitution at nucleotide position 2159. The threonine at codon 720 is replaced by isoleucine, an amino acid with similar properties. This amino acid position is poorly conserved in available vertebrate species. In addition, this alteration is predicted to be tolerated by in silico analysis. Since supporting evidence is limited at this time, the clinical significance of this alteration remains unclear.

NM_000179.3(MSH6):c.2159C>T (p.Thr720Ile)

Gene: MSH6 (mutS homolog 6; plus strand). Cytogenetic location: 2p16.3.
Variant type: single nucleotide variant.
Coding change: c.2159C>T on transcript NM_000179.3 (MANE Select); coding-DNA position 2159, C replaced by T.
Protein change: p.Thr720Ile; replaces threonine 720 with isoleucine.
Molecular consequence: missense variant.
Genome position (GRCh38, 1-based): chr2:47,800,142, C>T. VCF-style: chr2-47800142-C-T. GRCh37 (hg19) VCF-style: chr2-48027281-C-T.
Other names: c.1769C>T, p.Thr590Ile (NM_001281492.2); c.1253C>T, p.Thr418Ile (NM_001281493.2, NM_001281494.2); short protein forms T720I, T418I, T590I.
Identifiers: ClinVar variation 479899 (VCV000479899.19), dbSNP rs185531778, ClinGen allele CA068511.